The following is an entry in ClinVar:

ClinVar aggregate classification (germline): Uncertain significance (1 of 4 stars; one submission).

Submission:

CeGaT Center for Human Genetics Tuebingen
Classification: Uncertain significance. Last evaluated: 2023-09-01. Review status: criteria provided, single submitter. Criteria: CeGaT Center For Human Genetics Tuebingen Variant Classification Criteria Version 2. Collection method: clinical testing. Allele origin: germline. Affected: yes. Observed: 1 variant allele.
Comment: ANK2: PM2, PP3

NM_001148.6(ANK2):c.1495A>T (p.Thr499Ser)

Gene: ANK2 (ankyrin 2; plus strand). Cytogenetic location: 4q26.
Variant type: single nucleotide variant.
Coding change: c.1495A>T on transcript NM_001148.6 (MANE Select); coding-DNA position 1495, A replaced by T.
Protein change: p.Thr499Ser; replaces threonine 499 with serine.
Molecular consequence: missense variant.
Genome position (GRCh38, 1-based): chr4:113,274,461, A>T. VCF-style: chr4-113274461-A-T. GRCh37 (hg19) VCF-style: chr4-114195617-A-T.
Other names: c.1495A>T, p.Thr499Ser (NM_001354228.2, NM_001354232.2, NM_001354246.2 and 8 more transcripts); c.1540A>T, p.Thr514Ser (NM_001354230.2, NM_001354231.2, NM_001354237.2 and 5 more transcripts); c.1408A>T, p.Thr470Ser (NM_001354249.2, NM_001354271.2, NM_001354274.2 and 13 more transcripts); c.1432A>T, p.Thr478Ser (NM_001354252.2, NM_001354253.2, NM_001354254.2 and 14 more transcripts); c.1297A>T, p.Thr433Ser (NM_001354273.2); c.1210A>T, p.Thr404Ser (NM_001354277.2, NM_001386157.1, NM_001386158.1); c.1453A>T, p.Thr485Ser (NM_001386160.1, NM_001354261.2, NM_001386147.1); c.1546A>T, p.Thr516Ser (NM_001386174.1); and 4 more; short protein forms T404S, T429S, T433S, T470S, T478S, T485S, T487S, T495S.
Identifiers: ClinVar variation 2583023 (VCV002583023.25), dbSNP rs2153687916, ClinGen allele CA357906361.
Genomic context (GRCh38, chr4:113,274,461, plus strand): 5'-AGTGAAGTTCTGTCTGCCCGGCACTAACTTTTTACTTGGCTTGAGTTGTAGGAGGAACAG[A>T]CACCTTTACATATTGCCTCCCGCCTGGGTAAGACAGAAATTGTCCAGCTGCTTCTACAAC-3'
Protein context (NP_001139.3, residues 489-509): LVDARAREEQ[Thr499Ser]PLHIASRLGK